The following is an entry in ClinVar:

ClinVar aggregate classification (germline): Uncertain significance. Review status: criteria provided, multiple submitters, no conflicts (2 of 4 stars). 2 submissions from 2 submitters: Uncertain significance (2). Last evaluated 2025-09-30.

Conditions:
Neuronal ceroid lipofuscinosis 15. Also called: Neurodegeneration, childhood-onset, hypotonia, respiratory insufficiency and brain imaging abnormalities; Neurodegeneration, childhood-onset, with hypotonia, respiratory insufficiency, and brain imaging abnormalities. Identifiers: Orphanet 610573, MedGen C5543020, MONDO:0030947, OMIM 619173.

gnomAD v4.1: 6 of 1,614,042 alleles (0.00037%); highest among the groups gnomAD compares: Admixed American, 0.0033%; no homozygotes.

Submissions (2):

Dasa
Classification: Uncertain significance for Neuronal ceroid lipofuscinosis 15. Last evaluated: 2025-09-30. Review status: criteria provided, single submitter. Criteria: DASA Assertion Criteria. Collection method: clinical testing. Allele origin: germline.
Comment: NM_001286.5(CLCN6):c.290T>C (p.Phe97Ser) is a missense variant that results in the substitution of phenylalanine with serine. This variant is rare in population databases. Computational prediction algorithms are consistent with a deleterious effect. The currently available literature and clinical evidence are not sufficient to establish a definitive association between this variant and the reported condition. Therefore, this variant is classified as a variant of uncertain significance.

Labcorp Genetics (formerly Invitae), Labcorp
Classification: Uncertain significance. Last evaluated: 2025-02-23. Review status: criteria provided, single submitter. Criteria: Invitae Variant Classification Sherloc (09022015). Collection method: clinical testing. Allele origin: germline.
Comment: This sequence change replaces phenylalanine, which is neutral and non-polar, with serine, which is neutral and polar, at codon 97 of the CLCN6 protein (p.Phe97Ser). This variant is present in population databases (rs771118391, gnomAD 0.003%). This variant has not been reported in the literature in individuals affected with CLCN6-related conditions. An algorithm developed to predict the effect of missense changes on protein structure and function (PolyPhen-2) suggests that this variant is likely to be tolerated. In summary, the available evidence is currently insufficient to determine the role of this variant in disease. Therefore, it has been classified as a Variant of Uncertain Significance.

NM_001286.5(CLCN6):c.290T>C (p.Phe97Ser)

Gene: CLCN6 (Cl-/H+ antiporter 6; plus strand). Cytogenetic location: 1p36.22.
Variant type: single nucleotide variant.
Coding change: c.290T>C on transcript NM_001286.5 (MANE Select); coding-DNA position 290, T replaced by C.
Protein change: p.Phe97Ser; replaces phenylalanine 97 with serine.
Molecular consequence: missense variant. On other transcripts: non-coding transcript variant (1).
Genome position (GRCh38, 1-based): chr1:11,819,498, T>C. VCF-style: chr1-11819498-T-C. GRCh37 (hg19) VCF-style: chr1-11879555-T-C.
Other names: c.224T>C, p.Phe75Ser (NM_001256959.2); short protein forms F75S, F97S.
Identifiers: ClinVar variation 4707645 (VCV004707645.3).
Genomic context (GRCh38, chr1:11,819,498, plus strand): 5'-GTGCTACACTTGGAAATAAGGCTGTGTGACAGATCTCTTGCTCTTCACAGGTGGGTCTCT[T>C]TGTGGACTTTTTTGTGCGACTCTTCACCCAACTCAAGTTCGGAGTGGTACAGACATGTAT-3'
Protein context (NP_001277.2, residues 87-107): IGVCTGLVGL[Phe97Ser]VDFFVRLFTQ